The following is an entry in ClinVar:

NM_000179.3(MSH6):c.907A>T (p.Met303Leu)

Gene: MSH6 (mutS homolog 6; plus strand). Cytogenetic location: 2p16.3.
Variant type: single nucleotide variant.
Coding change: c.907A>T on transcript NM_000179.3 (MANE Select); coding-DNA position 907, A replaced by T.
Protein change: p.Met303Leu; replaces methionine 303 with leucine.
Molecular consequence: missense variant. On other transcripts: initiator codon variant (2).
Genome position (GRCh38, 1-based): chr2:47,798,890, A>T. VCF-style: chr2-47798890-A-T. GRCh37 (hg19) VCF-style: chr2-48026029-A-T.
Other names: c.517A>T, p.Met173Leu (NM_001281492.2); c.1A>T, p.Met1Leu (NM_001281493.2, NM_001281494.2); short protein forms M173L, M1L, M303L.
Identifiers: ClinVar variation 652505 (VCV000652505.21), dbSNP rs977576724, ClinGen allele CA46706955.
Genomic context (GRCh38, chr2:47,798,890, plus strand): 5'-GGGGATAGTGAGAGTGAAGGCCTGAACAGCCCTGTCAAAGTTGCTCGAAAGCGGAAGAGA[A>T]TGGTGACTGGAAATGGCTCTCTTAAAAGGAAAAGCTCTAGGAAGGAAACGCCCTCAGCCA-3'
Protein context (NP_000170.1, residues 293-313): PVKVARKRKR[Met303Leu]VTGNGSLKRK

ClinVar aggregate classification (germline): Conflicting classifications of pathogenicity. Review status: criteria provided, conflicting classifications (1 of 4 stars). 5 submissions from 5 submitters: Uncertain significance (4); Likely benign (1). Last evaluated 2025-07-02.

Conditions:
Hereditary cancer-predisposing syndrome. Also called: Neoplastic Syndromes, Hereditary; Tumor predisposition; Hereditary Cancer Syndrome; Hereditary neoplastic syndrome. Identifiers: Orphanet 140162, MedGen C0027672, MeSH D009386, MONDO:0015356.
Hereditary nonpolyposis colorectal neoplasms. Identifiers: MedGen C0009405, MeSH D003123.

Allele frequency attached by ClinVar (database versions not stated): gnomAD exomes below 0.00001; TOPMed 0.00002.
gnomAD v4.1: 5 of 1,614,218 alleles (0.00031%); highest among the groups gnomAD compares: Non-Finnish European, 0.00042%; no homozygotes.

Submissions (5):

Labcorp Genetics (formerly Invitae), Labcorp
Classification: Likely benign for Hereditary nonpolyposis colorectal neoplasms. Last evaluated: 2025-07-02. Review status: criteria provided, single submitter. Criteria: Invitae Variant Classification Sherloc (09022015). Collection method: clinical testing. Allele origin: germline.

Ambry Genetics
Classification: Uncertain significance for Hereditary cancer-predisposing syndrome. Last evaluated: 2025-03-15. Review status: criteria provided, single submitter. Criteria: Ambry Variant Classification Scheme 2023. Collection method: clinical testing. Allele origin: germline.
Comment: The p.M303L variant (also known as c.907A>T), located in coding exon 4 of the MSH6 gene, results from an A to T substitution at nucleotide position 907. The methionine at codon 303 is replaced by leucine, an amino acid with highly similar properties. This amino acid position is not well conserved in available vertebrate species. In addition, this alteration is predicted to be tolerated by in silico analysis. Since supporting evidence is limited at this time, the clinical significance of this alteration remains unclear.

Women's Health and Genetics/Laboratory Corporation of America, LabCorp
Classification: Uncertain significance. Last evaluated: 2021-10-20. Review status: criteria provided, single submitter. Criteria: LabCorp Variant Classification Summary - May 2015. Collection method: clinical testing. Allele origin: germline.

GeneDx
Classification: Uncertain significance. Last evaluated: 2019-05-01. Review status: criteria provided, single submitter. Criteria: GeneDx Variant Classification Process June 2021. Collection method: clinical testing. Allele origin: germline. Affected: yes.
Comment: Not observed at a significant frequency in large population cohorts (Lek et al., 2016); Has not been previously published as pathogenic or benign to our knowledge

Color Diagnostics, LLC DBA Color Health
Classification: Uncertain significance for Hereditary cancer-predisposing syndrome. Last evaluated: 2019-03-14. Review status: criteria provided, single submitter. Criteria: ACMG Guidelines, 2015. Collection method: clinical testing. Allele origin: germline.